The following is an entry in ClinVar:

NM_000202.8(IDS):c.593A>C (p.Asp198Ala)

Genes: IDS (iduronate 2-sulfatase; minus strand), LOC106050102 (IDS recombination region; plus strand). Cytogenetic location: Xq28.
Variant type: single nucleotide variant.
Coding change: c.593A>C on transcript NM_000202.8 (MANE Select); coding-DNA position 593, A replaced by C.
Protein change: p.Asp198Ala; replaces aspartic acid 198 with alanine.
Molecular consequence: missense variant. On other transcripts: non-coding transcript variant (1).
Genome position (GRCh38, 1-based): chrX:149,498,222, T>G on the plus strand (A>C on the coding strand, the complement: IDS is on the minus strand). VCF-style: chrX-149498222-T-G. GRCh37 (hg19) VCF-style: chrX-148579753-T-G.
Other names: c.323A>C, p.Asp108Ala (NM_001166550.4); c.593A>C, p.Asp198Ala (NM_006123.5); short protein forms D198A, D108A.
Identifiers: ClinVar variation 3891320 (VCV003891320.1).

ClinVar aggregate classification (germline): Likely pathogenic (1 of 4 stars; one submission).

Conditions:
Mucopolysaccharidosis, MPS-II (MPS2). Also called: Attenuated MPS (subtype; formerly known as mild MPS II); Severe MPS II; I2S deficiency; MPS 2; Hunter Syndrome; IDURONATE 2-SULFATASE DEFICIENCY. Identifiers: Orphanet 580, Orphanet 79388, MedGen C0026705, MONDO:0010674, OMIM 309900.

Submission:

Chaochun Lab, Department of Endocrinology, Children's Hospital, Zhejiang University School Of Medicine
Classification: Likely pathogenic for Mucopolysaccharidosis, MPS-II. Last evaluated: 2024-12-05. Review status: criteria provided, single submitter. Criteria: ACMG Guidelines, 2015. Collection method: clinical testing. Allele origin: maternal. Inheritance: X-linked inheritance. Affected: yes. Observed: 2 hemizygotes. Clinical features observed: Coarse facial features (HP:0000280), full lips, Short neck (HP:0000470), joint contracture.
Comment: The c.593A>C (p.Asp198Ala) variant was a missense variant in the coding region of the IDS gene. Other amino acid variants at the same position, p.ASp198Gly and p.Asp198Asn, have been detected in several patients with mucopolysaccharidosis type l (PMID:33676511, 9921913, 27896113,30809705, etc.). Based on the available evidence, this variant was defined as a suspected pathogenic variant.